The following is an entry in ClinVar:

NM_001282933.2(ZNF341):c.1932C>T (p.His644=)

Genes: ZNF341 (zinc finger protein 341; plus strand), ZNF341-AS1 (ZNF341 antisense RNA 1; minus strand). Cytogenetic location: 20q11.22.
Variant type: single nucleotide variant.
Coding change: c.1932C>T on transcript NM_001282933.2 (MANE Select); coding-DNA position 1932, C replaced by T.
Protein change: p.His644=; no amino-acid change (histidine 644 retained).
Molecular consequence: synonymous variant. On other transcripts: non-coding transcript variant (1).
Genome position (GRCh38, 1-based): chr20:33,788,942, C>T. VCF-style: chr20-33788942-C-T. GRCh37 (hg19) VCF-style: chr20-32376748-C-T.
Other names: p.His637=; c.1662C>T, p.His554= (NM_001282935.2); c.1911C>T, p.His637= (NM_032819.5); c.1932C>T (NM_001282933.1); c.1911C>T (NM_032819.4).
Identifiers: ClinVar variation 1169237 (VCV001169237.14), dbSNP rs34260449, ClinGen allele CA9819620.

ClinVar aggregate classification (germline): Benign. Review status: criteria provided, multiple submitters, no conflicts (2 of 4 stars). 5 submissions from 5 submitters: Benign (4). 1 of the submissions does not count toward it. Last evaluated 2026-02-04.

Conditions:
ZNF341-related disorder. Also called: ZNF341-related condition.

Allele frequency attached by ClinVar (database versions not stated): 1000 Genomes Project 0.01198; 1000 Genomes Project 30x 0.01296; gnomAD 0.01479 and 0.01520; ESP Exome Variant Server 0.01515; TOPMed 0.01532; gnomAD exomes 0.01678 and 0.02000; ExAC 0.01736.
gnomAD v4.1: 31,406 of 1,613,978 alleles (1.9%); highest among the groups gnomAD compares: Middle Eastern, 3.6%; 375 homozygotes.

Submissions (5):

Labcorp Genetics (formerly Invitae), Labcorp
Classification: Benign. Last evaluated: 2026-02-04. Review status: criteria provided, single submitter. Criteria: Invitae Variant Classification Sherloc (09022015). Collection method: clinical testing. Allele origin: germline.

Women's Health and Genetics/Laboratory Corporation of America, LabCorp
Classification: Benign. Last evaluated: 2026-01-21. Review status: criteria provided, single submitter. Criteria: LabCorp Variant Classification Summary - May 2015. Collection method: clinical testing. Allele origin: germline.

Mayo Clinic Laboratories, Mayo Clinic
Classification: Benign. Last evaluated: 2024-02-13. Review status: criteria provided, single submitter. Criteria: ACMG Guidelines, 2015. Collection method: clinical testing. Allele origin: germline. Observed: 4 variant alleles.
Comment: BA1_strong, BS2, BP7

Breakthrough Genomics
Classification: Benign. Review status: criteria provided, single submitter. Criteria: ACMG Guidelines, 2015. Collection method: not provided. Allele origin: germline. Inheritance: Autosomal recessive inheritance. Affected: yes.

PreventionGenetics, part of Exact Sciences
Classification: Benign for ZNF341-related condition. Last evaluated: 2019-02-26. Review status: no assertion criteria provided. Collection method: clinical testing. Allele origin: germline. Not counted in ClinVar's aggregate classification.
Comment: This variant is classified as benign based on ACMG/AMP sequence variant interpretation guidelines (Richards et al. 2015 PMID: 25741868, with internal and published modifications).